The following is an entry in ClinVar:

NM_000238.4(KCNH2):c.1129-1G>A

Gene: KCNH2 (potassium voltage-gated channel subfamily H member 2; minus strand). Cytogenetic location: 7q36.1.
Variant type: single nucleotide variant.
Coding change: c.1129-1G>A on transcript NM_000238.4 (MANE Select); the canonical splice acceptor site of the intron before coding-DNA position 1129, G replaced by A.
Molecular consequence: splice acceptor variant.
Genome position (GRCh38, 1-based): chr7:150,952,854, C>T on the plus strand (G>A on the coding strand, the complement: KCNH2 is on the minus strand). VCF-style: chr7-150952854-C-T. GRCh37 (hg19) VCF-style: chr7-150649942-C-T.
Other names: c.841-1G>A (NM_001406753.1, NM_001406756.1); c.109-1G>A (NM_172057.3, NM_001204798.2); c.1129-1G>A (NM_172056.3); c.952-1G>A (NM_001406755.1); c.829-1G>A (NM_001406757.1).
Identifiers: ClinVar variation 200721 (VCV000200721.14), dbSNP rs794728478, ClinGen allele CA004231.
Genomic context (GRCh38, chr7:150,952,854, plus strand): 5'-GTGGATGCGCGGTGCCTGCAGCTTGTACTCAGGCAGCACGTCGGCGCCCAGGGACAGGAC[C>T]TGCACCCGGGGAAGGCGGAGGTGTGGGTGAGGCAGGCCATGGGACCTCGGGGGCAGGAGC-3'

ClinVar aggregate classification (germline): Pathogenic. Review status: criteria provided, multiple submitters, no conflicts (2 of 4 stars). 2 submissions from 2 submitters: Pathogenic (2). Last evaluated 2023-04-03.

Conditions:
Long QT syndrome (LQTS). Identifiers: MedGen C0023976, MeSH D008133, MONDO:0002442. Disease mechanism: loss of function. Inheritance: Various modes of inheritance.

Allele frequency attached by ClinVar (database versions not stated): gnomAD exomes below 0.00001.
gnomAD v4.1: 1 of 1,613,044 alleles (0.000062%); highest among the groups gnomAD compares: Non-Finnish European, 0.000085%; no homozygotes.

Submissions (2):

Labcorp Genetics (formerly Invitae), Labcorp
Classification: Pathogenic for Long QT syndrome. Last evaluated: 2023-04-03. Review status: criteria provided, single submitter. Criteria: Invitae Variant Classification Sherloc (09022015). Collection method: clinical testing. Allele origin: germline.
Comment: This sequence change affects an acceptor splice site in intron 5 of the KCNH2 gene. It is expected to disrupt RNA splicing. Variants that disrupt the donor or acceptor splice site typically lead to a loss of protein function (PMID: 16199547), and loss-of-function variants in KCNH2 are known to be pathogenic (PMID: 10973849, 19862833). This variant is not present in population databases (gnomAD no frequency). Disruption of this splice site has been observed in individuals with long QT syndrome (PMID: 26669661; Invitae). ClinVar contains an entry for this variant (Variation ID: 200721). Algorithms developed to predict the effect of sequence changes on RNA splicing suggest that this variant may disrupt the consensus splice site. For these reasons, this variant has been classified as Pathogenic.

GeneDx
Classification: Pathogenic. Last evaluated: 2014-09-22. Review status: criteria provided, single submitter. Criteria: GeneDx Variant Classification (06012015). Collection method: clinical testing. Allele origin: germline. Affected: yes.
Comment: c.1129-1 G>A: IVS5-1 G>A in intron 5 of the KCNH2 gene (NM_000238.2). Although the c.1129-1 G>A mutation has not been reported as a disease-causing mutation or as a benign polymorphism to our knowledge, this mutation destroys the canonical splice acceptor site in intron 5 and is predicted to cause abnormal gene splicing. The mutation is predicted to lead to either an abnormal message that is subject to nonsense-mediated mRNA decay, or to an abnormal protein product if the message is used for protein translation. Other splice site mutations in the KCNH2 gene have been reported in association with LQTS. In summary, c.1129-1 G>A in the KCNH2 gene is interpreted as a disease-causing mutation.The variant is found in LQT panel(s).

Literature cited by the submitters: PubMed 16199547 (cited by Labcorp Genetics (formerly Invitae), Labcorp); PubMed 10973849 (cited by Labcorp Genetics (formerly Invitae), Labcorp); PubMed 19862833 (cited by Labcorp Genetics (formerly Invitae), Labcorp); PubMed 26669661 (cited by Labcorp Genetics (formerly Invitae), Labcorp).